The following is an entry in ClinVar:

ClinVar aggregate classification (germline): Likely pathogenic (1 of 4 stars; one submission).

Conditions:
Dilated cardiomyopathy 1G (CMD1G). Identifiers: Orphanet 154, MedGen C1858763, MONDO:0011400, OMIM 604145.
Autosomal recessive limb-girdle muscular dystrophy type 2J (LGMDR10). Also called: Limb-girdle muscular dystrophy, type 2J; MUSCULAR DYSTROPHY, LIMB-GIRDLE, AUTOSOMAL RECESSIVE 10. Identifiers: Orphanet 140922, MedGen C1837342, MONDO:0012127, OMIM 608807.

Submission:

Labcorp Genetics (formerly Invitae), Labcorp
Classification: Likely pathogenic for Dilated cardiomyopathy 1G; Autosomal recessive limb-girdle muscular dystrophy type 2J. Last evaluated: 2023-07-07. Review status: criteria provided, single submitter. Criteria: Invitae Variant Classification Sherloc (09022015). Collection method: clinical testing. Allele origin: germline.
Comment: This variant has not been reported in the literature in individuals affected with TTN-related conditions. In summary, the currently available evidence indicates that the variant is pathogenic, but additional data are needed to prove that conclusively. Therefore, this variant has been classified as Likely Pathogenic. This variant is located in the A band of TTN (PMID: 25589632). Truncating variants in this region are significantly overrepresented in patients affected with dilated cardiomyopathy (PMID: 25589632). Truncating variants in this region have also been reported in individuals affected with autosomal recessive centronuclear myopathy (PMID: 23975875). This variant is not present in population databases (gnomAD no frequency). This sequence change creates a premature translational stop signal (p.Ser20826*) in the TTN gene. While this is not anticipated to result in nonsense mediated decay, it is expected to create a truncated TTN protein.

Literature cited by the submitters: PubMed 25589632; PubMed 23975875.

NM_001267550.2(TTN):c.62477C>G (p.Ser20826Ter)

Genes: TTN-AS1 (TTN antisense RNA 1; plus strand), TTN (titin; minus strand). Cytogenetic location: 2q31.2.
Variant type: single nucleotide variant.
Coding change: c.62477C>G on transcript NM_001267550.2 (MANE Select); coding-DNA position 62477, C replaced by G.
Protein change: p.Ser20826Ter; replaces serine 20826 with a stop codon.
Molecular consequence: nonsense.
Genome position (GRCh38, 1-based): chr2:178,589,248, G>C on the plus strand (C>G on the coding strand, the complement: TTN is on the minus strand). VCF-style: chr2-178589248-G-C. GRCh37 (hg19) VCF-style: chr2-179453975-G-C.
Other names: c.57554C>G, p.Ser19185Ter (NM_001256850.1); c.35282C>G, p.Ser11761Ter (NM_003319.4); c.54773C>G, p.Ser18258Ter (NM_133378.4); c.35657C>G, p.Ser11886Ter (NM_133432.3); c.35858C>G, p.Ser11953Ter (NM_133437.4); short protein forms S11761*, S11886*, S20826*, S18258*, S11953*, S19185*.
Identifiers: ClinVar variation 2949627 (VCV002949627.3), dbSNP rs2469384035, ClinGen allele CA349464720.